The following is an entry in ClinVar:

NM_000218.3(KCNQ1):c.1719C>T (p.Phe573=)

Gene: KCNQ1 (potassium voltage-gated channel subfamily Q member 1; plus strand). Cytogenetic location: 11p15.5.
Variant type: single nucleotide variant.
Coding change: c.1719C>T on transcript NM_000218.3 (MANE Select); coding-DNA position 1719, C replaced by T.
Protein change: p.Phe573=; no amino-acid change (phenylalanine 573 retained).
Molecular consequence: synonymous variant.
Genome position (GRCh38, 1-based): chr11:2,777,019, C>T. VCF-style: chr11-2777019-C-T. GRCh37 (hg19) VCF-style: chr11-2798249-C-T.
Other names: c.1623C>T, p.Phe541= (NM_001406836.1); c.1449C>T, p.Phe483= (NM_001406837.1); c.1179C>T, p.Phe393= (NM_001406838.1); c.1338C>T, p.Phe446= (NM_181798.2).
Identifiers: ClinVar variation 512902 (VCV000512902.12), dbSNP rs199472810, ClinGen allele CA472465310.

ClinVar aggregate classification (germline): Likely benign. Review status: criteria provided, multiple submitters, no conflicts (2 of 4 stars). 3 submissions from 3 submitters: Likely benign (3). Last evaluated 2026-07-21.

Conditions:
Long QT syndrome (LQTS). Identifiers: MedGen C0023976, MeSH D008133, MONDO:0002442. Disease mechanism: loss of function. Inheritance: Various modes of inheritance.
Cardiovascular phenotype. Identifiers: MedGen CN230736.

Allele frequency attached by ClinVar (database versions not stated): TOPMed below 0.00001; gnomAD 0.00001.
gnomAD v4.1: 8 of 1,614,010 alleles (0.0005%); highest among the groups gnomAD compares: Middle Eastern, 0.016%; no homozygotes.

Submissions (3):

Ambry Genetics
Classification: Likely benign for Cardiovascular phenotype. Last evaluated: 2026-07-21. Review status: criteria provided, single submitter. Criteria: Ambry Variant Classification Scheme 2023. Collection method: clinical testing. Allele origin: germline.

Labcorp Genetics (formerly Invitae), Labcorp
Classification: Likely benign for Long QT syndrome. Last evaluated: 2022-09-07. Review status: criteria provided, single submitter. Criteria: Invitae Variant Classification Sherloc (09022015). Collection method: clinical testing. Allele origin: germline.

GeneDx
Classification: Likely benign. Last evaluated: 2017-10-26. Review status: criteria provided, single submitter. Criteria: GeneDx Variant Classification (06012015). Collection method: clinical testing. Allele origin: germline. Affected: yes.
Comment: This variant is considered likely benign or benign based on one or more of the following criteria: it is a conservative change, it occurs at a poorly conserved position in the protein, it is predicted to be benign by multiple in silico algorithms, and/or has population frequency not consistent with disease.